The following is an entry in ClinVar:

ClinVar aggregate classification (germline): Pathogenic. Review status: criteria provided, single submitter (1 of 4 stars). 2 submissions from 2 submitters: Pathogenic (1). 1 of the submissions does not count toward it. Last evaluated 2021-03-23.

Conditions:
Inborn genetic diseases. Identifiers: MedGen C0950123, MeSH D030342.
Ritscher-Schinzel syndrome 1 (RTSC1). Identifiers: Orphanet 7, MedGen C4551776, MONDO:0009073, OMIM 220210.

Submissions (2):

Ambry Genetics
Classification: Pathogenic for Inborn genetic diseases. Last evaluated: 2021-03-23. Review status: criteria provided, single submitter. Criteria: Ambry Variant Classification Scheme 2023. Collection method: clinical testing. Allele origin: germline.
Comment: The c.232C>T (p.Q78*) alteration, located in exon 3 (coding exon 2) of the WASHC5 gene, results from a C to T substitution at nucleotide position 232. This changes the amino acid from a glutamine (Q) to a stop codon at amino acid position 78. This alteration is expected to result in loss of function by premature protein truncation or nonsense-mediated mRNA decay. This variant was not reported in population-based cohorts in the Genome Aggregation Database (gnomAD). Based on the available evidence, this alteration is classified as pathogenic.

Department of Pediatrics, Taizhou Central Hospital, Taizhou University Hospital
Classification: Pathogenic for Ritscher-Schinzel syndrome 1. Last evaluated: 2024-02-01. Review status: no assertion criteria provided. Collection method: clinical testing. Allele origin: paternal. Affected: yes. Observed: 1 variant allele. Not counted in ClinVar's aggregate classification.

NM_014846.4(WASHC5):c.232C>T (p.Gln78Ter)

Gene: WASHC5 (WASH complex subunit 5; minus strand). Cytogenetic location: 8q24.13.
Variant type: single nucleotide variant.
Coding change: c.232C>T on transcript NM_014846.4 (MANE Select); coding-DNA position 232, C replaced by T.
Protein change: p.Gln78Ter; replaces glutamine 78 with a stop codon.
Molecular consequence: nonsense. On other transcripts: 5 prime UTR variant (1).
Genome position (GRCh38, 1-based): chr8:125,083,213, G>A on the plus strand (C>T on the coding strand, the complement: WASHC5 is on the minus strand). VCF-style: chr8-125083213-G-A. GRCh37 (hg19) VCF-style: chr8-126095455-G-A.
Other names: c.-213C>T (NM_001330609.2); short protein forms Q78*.
Identifiers: ClinVar variation 986025 (VCV000986025.5), dbSNP rs1586390087, ClinGen allele CA372267991.